The following is an entry in ClinVar:

ClinVar aggregate classification (germline): Uncertain significance. Review status: criteria provided, multiple submitters, no conflicts (2 of 4 stars). 2 submissions from 2 submitters: Uncertain significance (2). Last evaluated 2026-04-30.

Conditions:
Hereditary cancer-predisposing syndrome. Also called: Tumor predisposition; Hereditary Cancer Syndrome; Hereditary neoplastic syndrome; Neoplastic Syndromes, Hereditary. Identifiers: Orphanet 140162, MedGen C0027672, MeSH D009386, MONDO:0015356.
Renal cell carcinoma. Identifiers: Orphanet 217071, MedGen C0007134, MeSH D002292, MONDO:0005086, HP:0005584.

Submissions (2):

Ambry Genetics
Classification: Uncertain significance for Hereditary cancer-predisposing syndrome. Last evaluated: 2026-04-30. Review status: criteria provided, single submitter. Criteria: Ambry Variant Classification Scheme 2023. Collection method: clinical testing. Allele origin: germline.
Comment: The p.P1051R variant (also known as c.3152C>G), located in coding exon 14 of the MET gene, results from a C to G substitution at nucleotide position 3152. The proline at codon 1051 is replaced by arginine, an amino acid with dissimilar properties. This amino acid position is conserved. In addition, this alteration is predicted to be deleterious by in silico analysis. Based on the available evidence, the clinical significance of this variant remains unclear.

Labcorp Genetics (formerly Invitae), Labcorp
Classification: Uncertain significance for Renal cell carcinoma. Last evaluated: 2022-10-08. Review status: criteria provided, single submitter. Criteria: Invitae Variant Classification Sherloc (09022015). Collection method: clinical testing. Allele origin: germline.
Comment: This sequence change replaces proline, which is neutral and non-polar, with arginine, which is basic and polar, at codon 1051 of the MET protein (p.Pro1051Arg). This variant is not present in population databases (gnomAD no frequency). This variant has not been reported in the literature in individuals affected with MET-related conditions. Algorithms developed to predict the effect of missense changes on protein structure and function are either unavailable or do not agree on the potential impact of this missense change (SIFT: "Deleterious"; PolyPhen-2: "Probably Damaging"; Align-GVGD: "Class C0"). In summary, the available evidence is currently insufficient to determine the role of this variant in disease. Therefore, it has been classified as a Variant of Uncertain Significance.

NM_000245.4(MET):c.3098C>G (p.Pro1033Arg)

Gene: MET (MET proto-oncogene, receptor tyrosine kinase; plus strand). Cytogenetic location: 7q31.2.
Variant type: single nucleotide variant.
Coding change: c.3098C>G on transcript NM_000245.4 (MANE Select); coding-DNA position 3098, C replaced by G.
Protein change: p.Pro1033Arg; replaces proline 1033 with arginine.
Molecular consequence: missense variant.
Genome position (GRCh38, 1-based): chr7:116,774,950, C>G. VCF-style: chr7-116774950-C-G. GRCh37 (hg19) VCF-style: chr7-116415004-C-G.
Other names: c.3152C>G, p.Pro1051Arg (NM_001127500.3); c.1808C>G, p.Pro603Arg (NM_001324402.2); short protein forms P1033R, P1051R, P603R.
Identifiers: ClinVar variation 2183818 (VCV002183818.5), dbSNP rs2117030380, ClinGen allele CA368988090.